The following is an entry in ClinVar:

NM_205836.3(FBXO38):c.1729G>C (p.Glu577Gln)

Gene: FBXO38 (F-box protein 38; plus strand). Cytogenetic location: 5q32.
Variant type: single nucleotide variant.
Coding change: c.1729G>C on transcript NM_205836.3 (MANE Select); coding-DNA position 1729, G replaced by C.
Protein change: p.Glu577Gln; replaces glutamic acid 577 with glutamine.
Molecular consequence: missense variant.
Genome position (GRCh38, 1-based): chr5:148,424,108, G>C. VCF-style: chr5-148424108-G-C. GRCh37 (hg19) VCF-style: chr5-147803671-G-C.
Other names: c.1729G>C, p.Glu577Gln (NM_001271723.2, NM_030793.5); short protein forms E577Q.
Identifiers: ClinVar variation 1024503 (VCV001024503.10), dbSNP rs759341101, ClinGen allele CA3497350.

ClinVar aggregate classification (germline): Uncertain significance (1 of 4 stars; one submission).

Conditions:
Distal hereditary motor neuropathy type 2. Identifiers: Orphanet 139525, MedGen C3711384, MeSH C580044, MONDO:0015352.

Allele frequency attached by ClinVar (database versions not stated): ExAC 0.00001; gnomAD 0.00001; gnomAD exomes 0.00001; TOPMed 0.00002.
gnomAD v4.1: 5 of 1,612,250 alleles (0.00031%); highest among the groups gnomAD compares: African/African-American, 0.0013%; no homozygotes.

Submission:

Labcorp Genetics (formerly Invitae), Labcorp
Classification: Uncertain significance for Distal hereditary motor neuropathy type 2. Last evaluated: 2022-12-04. Review status: criteria provided, single submitter. Criteria: Invitae Variant Classification Sherloc (09022015). Collection method: clinical testing. Allele origin: germline.
Comment: ClinVar contains an entry for this variant (Variation ID: 1024503). In summary, the available evidence is currently insufficient to determine the role of this variant in disease. Therefore, it has been classified as a Variant of Uncertain Significance. Advanced modeling of protein sequence and biophysical properties (such as structural, functional, and spatial information, amino acid conservation, physicochemical variation, residue mobility, and thermodynamic stability) has been performed at Invitae for this missense variant, however the output from this modeling did not meet the statistical confidence thresholds required to predict the impact of this variant on FBXO38 protein function. This variant has not been reported in the literature in individuals affected with FBXO38-related conditions. This variant is present in population databases (rs759341101, gnomAD 0.003%). This sequence change replaces glutamic acid, which is acidic and polar, with glutamine, which is neutral and polar, at codon 577 of the FBXO38 protein (p.Glu577Gln).